The following is an entry in ClinVar:

NM_004958.4(MTOR):c.6971T>C (p.Leu2324Ser)

Gene: MTOR (mechanistic target of rapamycin kinase; minus strand). Cytogenetic location: 1p36.22.
Variant type: single nucleotide variant.
Coding change: c.6971T>C on transcript NM_004958.4 (MANE Select); coding-DNA position 6971, T replaced by C.
Protein change: p.Leu2324Ser; replaces leucine 2324 with serine.
Molecular consequence: missense variant.
Genome position (GRCh38, 1-based): chr1:11,117,049, A>G on the plus strand (T>C on the coding strand, the complement: MTOR is on the minus strand). VCF-style: chr1-11117049-A-G. GRCh37 (hg19) VCF-style: chr1-11177106-A-G.
Other names: c.6971T>C, p.Leu2324Ser (NM_001386500.1); c.5723T>C, p.Leu1908Ser (NM_001386501.1); short protein forms L1908S, L2324S.
Identifiers: ClinVar variation 4823755 (VCV004823755.4).

ClinVar aggregate classification (germline): Uncertain significance (1 of 4 stars; one submission).

gnomAD v4.1: 1 of 1,613,502 alleles (0.000062%); highest among the groups gnomAD compares: Non-Finnish European, 0.000085%; no homozygotes.

Submission:

CeGaT Center for Human Genetics Tuebingen
Classification: Uncertain significance. Last evaluated: 2026-03-01. Review status: criteria provided, single submitter. Criteria: CeGaT Center For Human Genetics Tuebingen Variant Classification Criteria Version 2. Collection method: clinical testing. Allele origin: germline. Affected: yes. Observed: 1 variant allele.
Comment: MTOR: PM2, PP2, PP3